The following is an entry in ClinVar:

NM_182710.3(KAT5):c.518T>C (p.Leu173Pro)

Gene: KAT5 (lysine acetyltransferase 5; plus strand). Cytogenetic location: 11q13.1.
Variant type: single nucleotide variant.
Coding change: c.518T>C on transcript NM_182710.3 (MANE Select); coding-DNA position 518, T replaced by C.
Protein change: p.Leu173Pro; replaces leucine 173 with proline.
Molecular consequence: missense variant. On other transcripts: intron variant (2).
Genome position (GRCh38, 1-based): chr11:65,713,481, T>C. VCF-style: chr11-65713481-T-C. GRCh37 (hg19) VCF-style: chr11-65480952-T-C.
Other names: c.419T>C, p.Leu140Pro (NM_006388.4); c.385-112T>C (NM_001206833.2); c.286-112T>C (NM_182709.3); short protein forms L140P, L173P.
Identifiers: ClinVar variation 4688770 (VCV004688770.1).

ClinVar aggregate classification (germline): Uncertain significance (1 of 4 stars; one submission).

Submission:

Women's Health and Genetics/Laboratory Corporation of America, LabCorp
Classification: Uncertain significance. Last evaluated: 2025-12-31. Review status: criteria provided, single submitter. Criteria: LabCorp Variant Classification Summary - May 2015. Collection method: clinical testing. Allele origin: germline.
Comment: Variant summary: KAT5 c.419T>C (p.Leu140Pro) results in a non-conservative amino acid change in the encoded protein sequence. Algorithms developed to predict the effect of missense changes on protein structure and function are either unavailable or do not agree on the potential impact of this missense change. The variant was absent in 251412 control chromosomes. The available data on variant occurrences in the general population are insufficient to allow any conclusion about variant significance. To our knowledge, no occurrence of c.419T>C in individuals affected with KAT5-related conditions and no experimental evidence demonstrating its impact on protein function have been reported. No submitters have cited clinical-significance assessments for this variant to ClinVar. Based on the evidence outlined above, the variant was classified as uncertain significance.